The following is an entry in ClinVar:

ClinVar aggregate classification (germline): Conflicting classifications of pathogenicity. Review status: criteria provided, conflicting classifications (1 of 4 stars). 3 submissions from 3 submitters: Uncertain significance (1); Likely benign (2). Last evaluated 2025-10-01.

Allele frequency attached by ClinVar (database versions not stated): ExAC 0.00015; ESP Exome Variant Server 0.00015; gnomAD 0.00019; TOPMed 0.00019; gnomAD exomes 0.00020; 1000 Genomes Project 30x 0.00031.
gnomAD v4.1: 320 of 1,611,670 alleles (0.02%); highest among the groups gnomAD compares: Non-Finnish European, 0.025%; no homozygotes.

Submissions (3):

CeGaT Center for Human Genetics Tuebingen
Classification: Likely benign. Last evaluated: 2025-10-01. Review status: criteria provided, single submitter. Criteria: CeGaT Center For Human Genetics Tuebingen Variant Classification Criteria Version 2. Collection method: clinical testing. Allele origin: germline. Affected: yes. Observed: 1 variant allele.
Comment: DIP2A: BS2

Laboratory of Genetics, Children's Clinical University Hospital Latvia
Classification: Likely benign. Last evaluated: 2025-02-16. Review status: criteria provided, single submitter. Criteria: ACMG Guidelines, 2015. Collection method: clinical testing. Allele origin: germline. Affected: yes.

Ambry Genetics
Classification: Uncertain significance. Last evaluated: 2024-09-27. Review status: criteria provided, single submitter. Criteria: Ambry Variant Classification Scheme 2023. Collection method: clinical testing. Allele origin: germline.

NM_015151.4(DIP2A):c.2626C>T (p.Arg876Cys)

Gene: DIP2A (DIP2 acetate--CoA ligase A; plus strand). Cytogenetic location: 21q22.3.
Variant type: single nucleotide variant.
Coding change: c.2626C>T on transcript NM_015151.4 (MANE Select); coding-DNA position 2626, C replaced by T.
Protein change: p.Arg876Cys; replaces arginine 876 with cysteine.
Molecular consequence: missense variant.
Genome position (GRCh38, 1-based): chr21:46,549,874, C>T. VCF-style: chr21-46549874-C-T. GRCh37 (hg19) VCF-style: chr21-47969787-C-T.
Other names: c.2614C>T, p.Arg872Cys (NM_001146116.2); c.2629C>T, p.Arg877Cys (NM_001353942.2); c.2626C>T, p.Arg876Cys (NM_001353943.2, NM_001410751.1, NM_206889.3); short protein forms R877C, R876C, R872C.
Identifiers: ClinVar variation 2406584 (VCV002406584.10), dbSNP rs199807759, ClinGen allele CA10082483.